The following is an entry in ClinVar:

ClinVar aggregate classification (germline): Uncertain significance (1 of 4 stars; one submission).

Conditions:
Aortic valve disease 2 (AOVD2). Identifiers: MedGen C3542024, MONDO:0013902, OMIM 614823.

Submission:

Labcorp Genetics (formerly Invitae), Labcorp
Classification: Uncertain significance for Aortic valve disease 2. Last evaluated: 2024-06-20. Review status: criteria provided, single submitter. Criteria: Invitae Variant Classification Sherloc (09022015). Collection method: clinical testing. Allele origin: germline.
Comment: This sequence change creates a premature translational stop signal (p.Trp115Leufs*6) in the SMAD6 gene. It is expected to result in an absent or disrupted protein product. However, the current clinical and genetic evidence is not sufficient to establish whether loss-of-function variants in SMAD6 cause disease. This variant is not present in population databases (gnomAD no frequency). This variant has not been reported in the literature in individuals affected with SMAD6-related conditions. ClinVar contains an entry for this variant (Variation ID: 852345). In summary, the available evidence is currently insufficient to determine the role of this variant in disease. Therefore, it has been classified as a Variant of Uncertain Significance.

NM_005585.5(SMAD6):c.341dup (p.Trp115fs)

Gene: SMAD6 (SMAD family member 6; plus strand). Cytogenetic location: 15q22.31.
Variant type: Duplication.
Coding change: c.341dup on transcript NM_005585.5 (MANE Select); coding-DNA position 341, one base duplicated (G; older notation c.341dupG).
Protein change: p.Trp115fs; shifts the reading frame from tryptophan 115.
Molecular consequence: frameshift variant. On other transcripts: non-coding transcript variant (1).
Genome position (GRCh38, 1-based): chr15:66,703,599, G duplicated; the last of 3 consecutive G bases (chr15:66,703,597-66,703,599); duplicating any one gives the same sequence. VCF-style (leftmost placement, unchanged base first): chr15-66703596-C-CG. GRCh37 (hg19) VCF-style: chr15-66995934-C-CG.
Other names: short protein forms W115fs.
Identifiers: ClinVar variation 852345 (VCV000852345.7), dbSNP rs1893030772, ClinGen allele CA916083430.